The following is an entry in ClinVar:

ClinVar aggregate classification (germline): Uncertain significance (1 of 4 stars; one submission).

gnomAD v4.1: 5 of 1,614,068 alleles (0.00031%); highest among the groups gnomAD compares: Non-Finnish European, 0.00042%; no homozygotes.

Submission:

Labcorp Genetics (formerly Invitae), Labcorp
Classification: Uncertain significance. Last evaluated: 2022-02-21. Review status: criteria provided, single submitter. Criteria: Invitae Variant Classification Sherloc (09022015). Collection method: clinical testing. Allele origin: germline.
Comment: Advanced modeling of protein sequence and biophysical properties (such as structural, functional, and spatial information, amino acid conservation, physicochemical variation, residue mobility, and thermodynamic stability) performed at Invitae indicates that this missense variant is not expected to disrupt ARID1A protein function. In summary, the available evidence is currently insufficient to determine the role of this variant in disease. Therefore, it has been classified as a Variant of Uncertain Significance. This variant has not been reported in the literature in individuals affected with ARID1A-related conditions. This sequence change replaces valine, which is neutral and non-polar, with methionine, which is neutral and non-polar, at codon 1630 of the ARID1A protein (p.Val1630Met). This variant is not present in population databases (gnomAD no frequency).

NM_006015.6(ARID1A):c.4888G>A (p.Val1630Met)

Gene: ARID1A (AT-rich interaction domain 1A; plus strand). Cytogenetic location: 1p36.11.
Variant type: single nucleotide variant.
Coding change: c.4888G>A on transcript NM_006015.6 (MANE Select); coding-DNA position 4888, G replaced by A.
Protein change: p.Val1630Met; replaces valine 1630 with methionine.
Molecular consequence: missense variant.
Genome position (GRCh38, 1-based): chr1:26,775,115, G>A. VCF-style: chr1-26775115-G-A. GRCh37 (hg19) VCF-style: chr1-27101606-G-A.
Other names: c.4237G>A, p.Val1413Met (NM_139135.4); short protein forms V1630M, V1413M.
Identifiers: ClinVar variation 2101075 (VCV002101075.4), dbSNP rs2124123380, ClinGen allele CA339179074.